The following is an entry in ClinVar:

ClinVar aggregate classification (germline): Pathogenic (1 of 4 stars; one submission).

Submission:

Labcorp Genetics (formerly Invitae), Labcorp
Classification: Pathogenic. Last evaluated: 2024-02-24. Review status: criteria provided, single submitter. Criteria: Invitae Variant Classification Sherloc (09022015). Collection method: clinical testing. Allele origin: germline.
Comment: This sequence change creates a premature translational stop signal (p.Trp19*) in the TUBGCP4 gene. It is expected to result in an absent or disrupted protein product. Loss-of-function variants in TUBGCP4 are known to be pathogenic (PMID: 25817018). This variant is not present in population databases (gnomAD no frequency). This variant has not been reported in the literature in individuals affected with TUBGCP4-related conditions. ClinVar contains an entry for this variant (Variation ID: 2007726). Algorithms developed to predict the effect of sequence changes on RNA splicing suggest that this variant may disrupt the consensus splice site. For these reasons, this variant has been classified as Pathogenic.

Literature cited by the submitters: PubMed 25817018.

NM_014444.5(TUBGCP4):c.56G>A (p.Trp19Ter)

Gene: TUBGCP4 (tubulin gamma complex component 4; plus strand). Cytogenetic location: 15q15.3.
Variant type: single nucleotide variant.
Coding change: c.56G>A on transcript NM_014444.5 (MANE Select); coding-DNA position 56, G replaced by A.
Protein change: p.Trp19Ter; replaces tryptophan 19 with a stop codon.
Molecular consequence: nonsense.
Genome position (GRCh38, 1-based): chr15:43,371,410, G>A. VCF-style: chr15-43371410-G-A. GRCh37 (hg19) VCF-style: chr15-43663608-G-A.
Other names: c.56G>A, p.Trp19Ter (NM_001286414.3); short protein forms W19*.
Identifiers: ClinVar variation 2007726 (VCV002007726.4), dbSNP rs2542961367, ClinGen allele CA392112995.